The following is an entry in ClinVar:

NM_004360.5(CDH1):c.2329G>A (p.Asp777Asn)

Gene: CDH1 (cadherin 1; plus strand). Cytogenetic location: 16q22.1.
Variant type: single nucleotide variant.
Coding change: c.2329G>A on transcript NM_004360.5 (MANE Select); coding-DNA position 2329, G replaced by A.
Protein change: p.Asp777Asn; replaces aspartic acid 777 with asparagine.
Molecular consequence: missense variant.
Genome position (GRCh38, 1-based): chr16:68,829,687, G>A. VCF-style: chr16-68829687-G-A. GRCh37 (hg19) VCF-style: chr16-68863590-G-A.
Other names: p.D777N:GAC>AAC; NM_004360.5(CDH1):c.2329G>A; c.2146G>A, p.Asp716Asn (NM_001317184.2); c.781G>A, p.Asp261Asn (NM_001317185.2); c.364G>A, p.Asp122Asn (NM_001317186.2); short protein forms D777N, D122N, D261N, D716N.
Identifiers: ClinVar variation 127922 (VCV000127922.87), dbSNP rs372989292, ClinGen allele CA157963.
Genomic context (GRCh38, chr16:68,829,687, plus strand): 5'-TTGTACTTCAACCTTTTTTCTCCAAAGGACTTTGACTTGAGCCAGCTGCACAGGGGCCTG[G>A]ACGCTCGGCCTGAAGTGACTCGTAACGACGTTGCACCAACCCTCATGAGTGTCCCCCGGT-3'
Protein context (NP_004351.1, residues 767-787): FDLSQLHRGL[Asp777Asn]ARPEVTRNDV

ClinVar aggregate classification (germline): Likely benign. Review status: reviewed by expert panel (3 of 4 stars). 19 submissions from 19 submitters: Likely benign (1). 18 of the submissions do not count toward it. Last evaluated 2023-08-17.

Conditions:
CDH1-related diffuse gastric and lobular breast cancer syndrome. Also called: CDH1-related diffuse gastric and lobular breast cancer. Identifiers: MedGen CN311521, MONDO:0100488.
CDH1-related disorder. Also called: CDH1-related condition.
Breast and/or ovarian cancer. Identifiers: MedGen CN221562.
Hereditary cancer-predisposing syndrome. Also called: Tumor predisposition; Hereditary neoplastic syndrome; Neoplastic Syndromes, Hereditary; Hereditary Cancer Syndrome. Identifiers: Orphanet 140162, MedGen C0027672, MeSH D009386, MONDO:0015356.
Hereditary diffuse gastric adenocarcinoma (HDGC). Also called: DIFFUSE GASTRIC AND LOBULAR BREAST CANCER SYNDROME. Identifiers: Orphanet 26106, MedGen C1708349, MONDO:0007648, OMIM 137215.

Allele frequency attached by ClinVar (database versions not stated): ESP Exome Variant Server 0.00008; gnomAD exomes 0.00012 and 0.00023; TOPMed 0.00012; ExAC 0.00013; gnomAD 0.00015.
gnomAD v4.1: 356 of 1,614,006 alleles (0.022%); highest among the groups gnomAD compares: Non-Finnish European, 0.029%; no homozygotes.

Submissions (19):

Clingen Gastric Cancer Variant Curation Expert Panel
Classification: Likely benign for CDH1-related diffuse gastric and lobular breast cancer syndrome. Last evaluated: 2023-08-17. Review status: reviewed by expert panel. Criteria: ClinGen CDH1 ACMG Specifications V3.1. Collection method: curation. Allele origin: germline. Inheritance: Autosomal dominant inheritance.
Comment: The c.2329G>A (p.Asp777Asn) missense variant has a frequency of 0.0001202 (34 of 282,830) in the gnomAD v2.1.1 cohort, with a maximum non-founder allele frequency of 0.0002400 (31 of 129,162) in the non-Finnish European subpopulation. This variant has been observed in >100 individuals without DGC, SRC tumours or LBC and whose families do not suggest HDGC (BS2; SCV000149760.14, SCV000261509.8, PMIDs: 29522266, 26534844, 26976419, 25142776, 24728327). In summary, the clinical significance of this variant is classified as Likely Benign based the ACMG/AMP criteria applied, as specified by the CDH1 Variant Curation Expert Panel (Variant Interpretation Guidelines Version 3.1): BS2.

Labcorp Genetics (formerly Invitae), Labcorp
Classification: Likely benign for Hereditary diffuse gastric adenocarcinoma. Last evaluated: 2026-02-03. Review status: criteria provided, single submitter. Criteria: Invitae Variant Classification Sherloc (09022015). Collection method: clinical testing. Allele origin: germline. Not counted in ClinVar's aggregate classification.

Women's Health and Genetics/Laboratory Corporation of America, LabCorp
Classification: Likely benign. Last evaluated: 2025-10-24. Review status: criteria provided, single submitter. Criteria: LabCorp Variant Classification Summary - May 2015. Collection method: clinical testing. Allele origin: germline. Not counted in ClinVar's aggregate classification.
Comment: Variant summary: CDH1 c.2329G>A (p.Asp777Asn) results in a conservative amino acid change located in the Cadherin, cytoplasmic domain of the encoded protein sequence. Algorithms developed to predict the effect of missense changes on protein structure and function are either unavailable or do not agree on the potential impact of this missense change. The variant allele was found at a frequency of 0.00012 in 251460 control chromosomes, predominantly at a frequency of 0.00025 within the Non-Finnish European subpopulation in the gnomAD database. The observed variant frequency within Non-Finnish European control individuals in the gnomAD database exceeds the estimated maximal expected allele frequency for disease-causing variants in CDH1. c.2329G>A has been reported in the literature in individuals affected with cancer including breast cancer, colorectal cancer, gastric cancer, biliary tract cancer and prostate cancer (Kraus_2015, Tung_2016, Hansford_2015, Zhang_2015, Jonsson_2002, Okawa_2023, Suzuki_2020, Bhai_2021). These report(s) do not provide unequivocal conclusions about association of the variant with Hereditary Breast And Ovarian Cancer Syndrome. To our knowledge, no experimental evidence demonstrating an impact on protein function has been reported. The following publications have been ascertained in the context of this evaluation (PMID: 34326862, 26182300, 11948460, 25142776, 36243179, 32426482, 26976419, 26580448). ClinVar contains an entry for this variant (Variation ID: 127922). Based on the evidence outlined above, the variant was classified as likely benign.

Quest Diagnostics Nichols Institute San Juan Capistrano
Classification: Likely benign. Last evaluated: 2025-03-14. Review status: criteria provided, single submitter. Criteria: Quest Diagnostics criteria. Collection method: clinical testing. Allele origin: unknown. Not counted in ClinVar's aggregate classification.

Center for Genomic Medicine, Rigshospitalet, Copenhagen University Hospital
Classification: Likely benign. Last evaluated: 2025-03-04. Review status: criteria provided, single submitter. Criteria: ACMG Guidelines, 2015. Collection method: clinical testing. Allele origin: germline. Not counted in ClinVar's aggregate classification.

Mendelics
Classification: Benign for Hereditary diffuse gastric adenocarcinoma. Last evaluated: 2023-08-22. Review status: criteria provided, single submitter. Criteria: Mendelics Assertion Criteria 2019. Collection method: clinical testing. Allele origin: germline. Not counted in ClinVar's aggregate classification.

Myriad Genetics, Inc.
Classification: Uncertain significance for Hereditary diffuse gastric adenocarcinoma. Last evaluated: 2023-03-07. Review status: criteria provided, single submitter. Criteria: Myriad Autosomal Dominant, Autosomal Recessive and X-Linked Classification Criteria (2023). Collection method: clinical testing. Allele origin: unknown. Not counted in ClinVar's aggregate classification.
Comment: This variant is classified as a variant of uncertain significance as there is insufficient evidence to determine its impact on protein function and/or cancer risk.

European Reference Network on Genetic Tumour Risk Syndromes (ERN-GENTURIS), i3s - Instituto de Investigação e Inovação em Saúde, University of Porto
Classification: Likely benign for Hereditary diffuse gastric adenocarcinoma. Last evaluated: 2022-08-01. Review status: criteria provided, single submitter. Criteria: Lee et al. (Hum Mutat. 2018). Collection method: clinical testing. Allele origin: germline. Inheritance: Autosomal dominant inheritance. Affected: no. Study: ERN GENTURIS. Not counted in ClinVar's aggregate classification.
Comment: BS2 (PMID: 30311375)

Sema4
Classification: Likely benign for Hereditary cancer-predisposing syndrome. Last evaluated: 2021-08-25. Review status: criteria provided, single submitter. Criteria: Sema4 Curation Guidelines. Collection method: curation. Allele origin: germline. Not counted in ClinVar's aggregate classification.

Genetic Services Laboratory, University of Chicago
Classification: Uncertain significance. Last evaluated: 2021-02-16. Review status: criteria provided, single submitter. Criteria: ACMG Guidelines, 2015. Collection method: clinical testing. Allele origin: germline. Affected: no. Not counted in ClinVar's aggregate classification.

St. Jude Molecular Pathology, St. Jude Children's Research Hospital
Classification: Likely benign for Hereditary diffuse gastric adenocarcinoma. Last evaluated: 2021-02-16. Review status: criteria provided, single submitter. Criteria: St. Jude Assertion Criteria 2020. Collection method: clinical testing. Allele origin: germline. Not counted in ClinVar's aggregate classification.

CHEO Genetics Diagnostic Laboratory, Children's Hospital of Eastern Ontario
Classification: Uncertain significance for Breast and/or ovarian cancer. Last evaluated: 2020-06-15. Review status: criteria provided, single submitter. Criteria: ACMG Guidelines, 2015. Collection method: clinical testing. Allele origin: germline. Not counted in ClinVar's aggregate classification.

GeneDx
Classification: Likely benign. Last evaluated: 2020-06-03. Review status: criteria provided, single submitter. Criteria: GeneDx Variant Classification Process June 2021. Collection method: clinical testing. Allele origin: germline. Affected: yes. Not counted in ClinVar's aggregate classification.
Comment: In silico analysis supports that this missense variant has a deleterious effect on protein structure/function; This variant is associated with the following publications: (PMID: 26182300, 11948460, 26534844, 26976419, 17545690, 19725995, 24728327, 25142776, 25759019, 17224074, 26580448, 27739435, 22098830, 28873162, 32426482)

Color Diagnostics, LLC DBA Color Health
Classification: Likely benign for Hereditary cancer-predisposing syndrome. Last evaluated: 2020-05-11. Review status: criteria provided, single submitter. Criteria: ACMG Guidelines, 2015. Collection method: clinical testing. Allele origin: germline. Not counted in ClinVar's aggregate classification.

Ambry Genetics
Classification: Likely benign for Hereditary cancer-predisposing syndrome. Last evaluated: 2018-12-28. Review status: criteria provided, single submitter. Criteria: Ambry Variant Classification Scheme 2023. Collection method: clinical testing. Allele origin: germline. Not counted in ClinVar's aggregate classification.

CeGaT Center for Human Genetics Tuebingen
Classification: Uncertain significance. Last evaluated: 2017-01-01. Review status: criteria provided, single submitter. Criteria: CeGaT Center For Human Genetics Tuebingen Variant Classification Criteria Version 2. Collection method: clinical testing. Allele origin: germline. Affected: yes. Observed: 1 variant allele. Not counted in ClinVar's aggregate classification.

PreventionGenetics, part of Exact Sciences
Classification: Likely benign for CDH1-related condition. Last evaluated: 2023-08-21. Review status: no assertion criteria provided. Collection method: clinical testing. Allele origin: germline. Not counted in ClinVar's aggregate classification.
Comment: This variant is classified as likely benign based on ACMG/AMP sequence variant interpretation guidelines (Richards et al. 2015 PMID: 25741868, with internal and published modifications).

Counsyl
Classification: Uncertain significance for Hereditary diffuse gastric adenocarcinoma. Last evaluated: 2016-09-07. Review status: no assertion criteria provided. Collection method: clinical testing. Allele origin: unknown. Not counted in ClinVar's aggregate classification.

ITMI
No classification provided. Condition: AllHighlyPenetrant. Last evaluated: 2013-09-19. Review status: no classification provided. Collection method: reference population. Allele origin: germline. Not counted in ClinVar's aggregate classification.
Comment: Please see associated publication for description of ethnicities

Literature cited by the submitters: PubMed 11948460 (cited by 4 submitters); PubMed 25142776 (cited by 4 submitters); PubMed 26976419 (cited by 4 submitters); PubMed 26182300 (cited by Women's Health and Genetics/Laboratory Corporation of America, LabCorp); PubMed 26580448 (cited by Women's Health and Genetics/Laboratory Corporation of America, LabCorp and Counsyl); PubMed 36243179 (cited by Women's Health and Genetics/Laboratory Corporation of America, LabCorp and Quest Diagnostics Nichols Institute San Juan Capistrano); PubMed 34326862 (cited by Women's Health and Genetics/Laboratory Corporation of America, LabCorp and Quest Diagnostics Nichols Institute San Juan Capistrano); PubMed 32426482 (cited by Women's Health and Genetics/Laboratory Corporation of America, LabCorp and Quest Diagnostics Nichols Institute San Juan Capistrano); PubMed 19725995 (cited by Quest Diagnostics Nichols Institute San Juan Capistrano); PubMed 17545690 (cited by Quest Diagnostics Nichols Institute San Juan Capistrano); PubMed 33471991 (cited by Quest Diagnostics Nichols Institute San Juan Capistrano); PubMed 26534844 (cited by 3 submitters); PubMed 17224074 (cited by Quest Diagnostics Nichols Institute San Juan Capistrano and Ambry Genetics); PubMed 24728327 (cited by 4 submitters); PubMed 36436516 (cited by European Reference Network on Genetic Tumour Risk Syndromes (ERN-GENTURIS), i3s - Instituto de Investigação e Inovação em Saúde, University of Porto).